The following is an entry in ClinVar:

ClinVar aggregate classification (germline): Pathogenic (1 of 4 stars; one submission).

Conditions:
Actin accumulation myopathy (CMYO2A). Also called: CONGENITAL MYOPATHY 2A, TYPICAL, AUTOSOMAL DOMINANT; Myopathy, actin, congenital, with cores; Nemaline myopathy 3, with intranuclear rods; Nemaline myopathy type 3; Myopathy, actin, congenital, with excess of thin myofilaments. Identifiers: Orphanet 98904, MedGen C3711389, MONDO:0008070, OMIM 161800.

Submission:

Ozbek Human Genetics Laboratory, Izmir Biomedicine and Genome Center
Classification: Pathogenic for Actin accumulation myopathy. Last evaluated: 2025-07-02. Review status: criteria provided, single submitter. Criteria: ACMG Guidelines, 2015. Collection method: research. Allele origin: de novo. Affected: yes. Observed: 1 variant allele, 1 heterozygote.
Comment: A heterozygous p.Tyr71Asn missense variant was detected in exon 3 of the ACTA1 gene (NM_001100.4). This variant is very rarely observed in population databases (PM2). The variant is located in a "mutational hot spot" region where pathogenic variants of the ACTA1 gene are frequently observed (PM1), and in silico algorithms (AlphaMissense, Revel) predict it has a damaging effect at the protein level (PP3). Missense variants are a common mechanism for the disease, and the probability of these variants being benign is low (PP2). Based on this information, this variant is classified as Pathogenic according to ACMG criteria. The ACTA1 gene is associated with "Myopathy, scapulohumeroperoneal" and "Congenital myopathy 2A/2B/2C" syndromes in the OMIM database. It is thought that phenotypes associated with ACTA1 can explain the respiratory failure and congenital myopathy findings observed in the patient. Data obtained via the RAREBOOST project (Horizon 2020 ERA Chairs at Izmir Biomedicine and Genome Center - IBG)

NM_001100.4(ACTA1):c.211T>A (p.Tyr71Asn)

Gene: ACTA1 (actin alpha 1, skeletal muscle; minus strand). Cytogenetic location: 1q42.13.
Variant type: single nucleotide variant.
Coding change: c.211T>A on transcript NM_001100.4 (MANE Select); coding-DNA position 211, T replaced by A.
Protein change: p.Tyr71Asn; replaces tyrosine 71 with asparagine.
Molecular consequence: missense variant.
Genome position (GRCh38, 1-based): chr1:229,432,799, A>T on the plus strand (T>A on the coding strand, the complement: ACTA1 is on the minus strand). VCF-style: chr1-229432799-A-T. GRCh37 (hg19) VCF-style: chr1-229568546-A-T.
Other names: short protein forms Y71N.
Identifiers: ClinVar variation 4856633 (VCV004856633.1).
Genomic context (GRCh38, chr1:229,432,799, plus strand): 5'-TGTGGTGCCAGATCTTCTCCATGTCATCCCAGTTGGTGATGATGCCGTGCTCGATAGGGT[A>T]CTTCAGGGTCAGGATACCTCTCTTGCTCTGAGCCTCGTCGCCCACGTAGGAATCTTTCTG-3'
Protein context (NP_001091.1, residues 61-81): QSKRGILTLK[Tyr71Asn]PIEHGIITNW